The following is an entry in ClinVar:

ClinVar aggregate classification (germline): Uncertain significance. Review status: criteria provided, multiple submitters, no conflicts (2 of 4 stars). 4 submissions from 4 submitters: Uncertain significance (4). Last evaluated 2025-10-15.

Conditions:
BBS9-related disorder. Also called: BBS9-related condition.
Bardet-Biedl syndrome (BBS). Identifiers: Orphanet 110, MedGen C0752166, MONDO:0015229.
Bardet-Biedl syndrome 9 (BBS9). Identifiers: Orphanet 110, MedGen C1859567, MONDO:0014437, OMIM 615986.

Allele frequency attached by ClinVar (database versions not stated): gnomAD exomes 0.00001 and 0.00002; TOPMed 0.00002; ESP Exome Variant Server 0.00008; gnomAD 0.00001.
gnomAD v4.1: 30 of 1,612,326 alleles (0.0019%); highest among the groups gnomAD compares: Middle Eastern, 0.019%; no homozygotes.

Submissions (4):

PreventionGenetics, part of Exact Sciences
Classification: Uncertain significance for BBS9-related condition. Last evaluated: 2025-10-15. Review status: criteria provided, single submitter. Criteria: ACMG Guidelines, 2015. Collection method: clinical testing. Allele origin: germline.
Comment: The BBS9 c.1911G>A variant is not predicted to result in an amino acid change (p.=). This variant is predicted to create a cryptic splice acceptor site within the exon (Alamut Visual Plus v1.6.1; SpliceAI, Jaganathan et al. 2019. PubMed ID: 30661751). However, the use of computer prediction programs is not equivalent to functional evidence. To our knowledge, this variant has not been reported in the literature. This variant is reported in 0.0033% of alleles in individuals of South Asian descent in gnomAD. At this time, the clinical significance of this variant is uncertain due to the absence of conclusive functional and genetic evidence.

Fulgent Genetics
Classification: Uncertain significance for Bardet-Biedl syndrome 9. Last evaluated: 2024-03-31. Review status: criteria provided, single submitter. Criteria: ACMG Guidelines, 2015. Collection method: clinical testing. Allele origin: germline.

Blueprint Genetics
Classification: Uncertain significance. Last evaluated: 2023-01-23. Review status: criteria provided, single submitter. Criteria: ACMG Guidelines, 2015. Collection method: clinical testing. Allele origin: germline.

Labcorp Genetics (formerly Invitae), Labcorp
Classification: Uncertain significance for Bardet-Biedl syndrome. Last evaluated: 2022-07-19. Review status: criteria provided, single submitter. Criteria: Invitae Variant Classification Sherloc (09022015). Collection method: clinical testing. Allele origin: germline.
Comment: This sequence change affects codon 637 of the BBS9 mRNA. It is a 'silent' change, meaning that it does not change the encoded amino acid sequence of the BBS9 protein. This variant is present in population databases (rs138454676, gnomAD 0.003%). This variant has not been reported in the literature in individuals affected with BBS9-related conditions. ClinVar contains an entry for this variant (Variation ID: 647266). Algorithms developed to predict the effect of sequence changes on RNA splicing suggest that this variant may create or strengthen a splice site. In summary, the available evidence is currently insufficient to determine the role of this variant in disease. Therefore, it has been classified as a Variant of Uncertain Significance.

NM_198428.3(BBS9):c.1911G>A (p.Ser637=)

Gene: BBS9 (Bardet-Biedl syndrome 9; plus strand). Cytogenetic location: 7p14.3.
Variant type: single nucleotide variant.
Coding change: c.1911G>A on transcript NM_198428.3 (MANE Select); coding-DNA position 1911, G replaced by A.
Protein change: p.Ser637=; no amino-acid change (serine 637 retained).
Molecular consequence: synonymous variant. On other transcripts: non-coding transcript variant (3).
Genome position (GRCh38, 1-based): chr7:33,383,787, G>A. VCF-style: chr7-33383787-G-A. GRCh37 (hg19) VCF-style: chr7-33423399-G-A.
Other names: c.1806G>A, p.Ser602= (NM_001033604.2); c.1896G>A, p.Ser632= (NM_001033605.2); c.1911G>A, p.Ser637= (NM_001348036.1, NM_001348041.4, NM_001348043.3 and 1 more transcripts); c.1545G>A, p.Ser515= (NM_001348037.3, NM_001348045.3, NM_001348046.3); c.1638G>A, p.Ser546= (NM_001348038.3); c.1533G>A, p.Ser511= (NM_001348039.3); c.1791G>A, p.Ser597= (NM_001348040.3, NM_014451.4); c.1776G>A, p.Ser592= (NM_001348042.3); and 1 more.
Identifiers: ClinVar variation 647266 (VCV000647266.11), dbSNP rs138454676, ClinGen allele CA156731707.